The following is an entry in ClinVar:

ClinVar aggregate classification (germline): Pathogenic/Likely pathogenic. Review status: criteria provided, multiple submitters, no conflicts (2 of 4 stars). 2 submissions from 2 submitters: Pathogenic (1); Likely pathogenic (1). Last evaluated 2023-02-02.

Conditions:
Spastic paraplegia. Identifiers: MedGen C0037772, HP:0001258.
Congenital bile acid synthesis defect 3. Identifiers: Orphanet 79302, MedGen C3151147, MONDO:0013439, OMIM 613812.
Hereditary spastic paraplegia 5A (SPG5A). Also called: SPASTIC PARAPLEGIA 5A, AUTOSOMAL RECESSIVE. Identifiers: Orphanet 100986, MedGen C1849115, MONDO:0010047, OMIM 270800.

Submissions (2):

Labcorp Genetics (formerly Invitae), Labcorp
Classification: Pathogenic for Spastic paraplegia. Last evaluated: 2023-02-02. Review status: criteria provided, single submitter. Criteria: Invitae Variant Classification Sherloc (09022015). Collection method: clinical testing. Allele origin: germline.
Comment: For these reasons, this variant has been classified as Pathogenic. This variant disrupts a region of the CYP7B1 protein in which other variant(s) (p.Arg486Cys) have been determined to be pathogenic (PMID: 19439320, 21541746, 21623769, 24117163). This suggests that this is a clinically significant region of the protein, and that variants that disrupt it are likely to be disease-causing. ClinVar contains an entry for this variant (Variation ID: 409026). This variant has not been reported in the literature in individuals affected with CYP7B1-related conditions. This variant is present in population databases (no rsID available, gnomAD 0.0009%). This sequence change creates a premature translational stop signal (p.Lys430Glnfs*42) in the CYP7B1 gene. While this is not anticipated to result in nonsense mediated decay, it is expected to disrupt the last 77 amino acid(s) of the CYP7B1 protein.

Fulgent Genetics
Classification: Likely pathogenic for Hereditary spastic paraplegia 5A; Congenital bile acid synthesis defect 3. Last evaluated: 2022-01-14. Review status: criteria provided, single submitter. Criteria: ACMG Guidelines, 2015. Collection method: clinical testing. Allele origin: unknown.

Literature cited by the submitters: PubMed 19439320 (cited by Labcorp Genetics (formerly Invitae), Labcorp); PubMed 21541746 (cited by Labcorp Genetics (formerly Invitae), Labcorp); PubMed 21623769 (cited by Labcorp Genetics (formerly Invitae), Labcorp); PubMed 24117163 (cited by Labcorp Genetics (formerly Invitae), Labcorp).

NM_004820.5(CYP7B1):c.1286dup (p.Lys430fs)

Gene: CYP7B1 (cytochrome P450 family 7 subfamily B member 1; minus strand). Cytogenetic location: 8q12.3.
Variant type: Duplication.
Coding change: c.1286dup on transcript NM_004820.5 (MANE Select); coding-DNA position 1286, one base duplicated (T; older notation c.1286dupT).
Protein change: p.Lys430fs; shifts the reading frame from lysine 430.
Molecular consequence: frameshift variant. On other transcripts: intron variant (1).
Genome position (GRCh38, 1-based): chr8:64,596,877, A duplicated on the plus strand (T on the coding strand, the reverse complement: CYP7B1 is on the minus strand); the first of 5 consecutive A bases (chr8:64,596,877-64,596,881); duplicating any one gives the same sequence. VCF-style (leftmost placement, unchanged base first): chr8-64596876-G-GA. GRCh37 (hg19) VCF-style: chr8-65509433-G-GA.
Other names: c.1234-7037dup (NM_001324112.2); short protein forms K430fs.
Identifiers: ClinVar variation 409026 (VCV000409026.8), dbSNP rs1060502224, ClinGen allele CA16612344.
Genomic context (GRCh38, chr8:64,596,876, plus strand): 5'-ACATTTGCTGGTTCCAGTTCCAAACGGCATTAGGTAACACTTCAGCTTTTTCCCTCTTTT[G>GA]AAAAAGGTGGTTTTCTTCTTACCATCTTCTATAAAACGATCATATCTAAACTCCTGTAAG-3'